The following is an entry in ClinVar:

NM_004370.6(COL12A1):c.8230G>C (p.Asp2744His)

Gene: COL12A1 (collagen type XII alpha 1 chain; minus strand). Cytogenetic location: 6q13.
Variant type: single nucleotide variant.
Coding change: c.8230G>C on transcript NM_004370.6 (MANE Select); coding-DNA position 8230, G replaced by C.
Protein change: p.Asp2744His; replaces aspartic acid 2744 with histidine.
Molecular consequence: missense variant.
Genome position (GRCh38, 1-based): chr6:75,105,241, C>G on the plus strand (G>C on the coding strand, the complement: COL12A1 is on the minus strand). VCF-style: chr6-75105241-C-G. GRCh37 (hg19) VCF-style: chr6-75814957-C-G.
Other names: c.4738G>C, p.Asp1580His (NM_080645.3); short protein forms D1580H, D2744H.
Identifiers: ClinVar variation 2176116 (VCV002176116.4), dbSNP rs1263928325, ClinGen allele CA364740479.

ClinVar aggregate classification (germline): Uncertain significance (1 of 4 stars; one submission).

Conditions:
Ullrich congenital muscular dystrophy 2 (UCMD2). Identifiers: Orphanet 75840, MedGen C4225314, MONDO:0014654, OMIM 616470.
Bethlem myopathy 2 (BTHLM2). Identifiers: Orphanet 536516, Orphanet 610, MedGen C4225313, MONDO:0034022, OMIM 616471.

Submission:

Labcorp Genetics (formerly Invitae), Labcorp
Classification: Uncertain significance for Bethlem myopathy 2; Ullrich congenital muscular dystrophy 2. Last evaluated: 2023-06-27. Review status: criteria provided, single submitter. Criteria: Invitae Variant Classification Sherloc (09022015). Collection method: clinical testing. Allele origin: germline.
Comment: In summary, the available evidence is currently insufficient to determine the role of this variant in disease. Therefore, it has been classified as a Variant of Uncertain Significance. Advanced modeling of protein sequence and biophysical properties (such as structural, functional, and spatial information, amino acid conservation, physicochemical variation, residue mobility, and thermodynamic stability) performed at Invitae indicates that this missense variant is not expected to disrupt COL12A1 protein function. ClinVar contains an entry for this variant (Variation ID: 2176116). This variant has not been reported in the literature in individuals affected with COL12A1-related conditions. This variant is present in population databases (no rsID available, gnomAD 0.0009%). This sequence change replaces aspartic acid, which is acidic and polar, with histidine, which is basic and polar, at codon 2744 of the COL12A1 protein (p.Asp2744His).